The following is an entry in ClinVar:

NM_019594.4(LRRC8A):c.730T>C (p.Phe244Leu)

Gene: LRRC8A (leucine rich repeat containing 8 VRAC subunit A; plus strand). Cytogenetic location: 9q34.11.
Variant type: single nucleotide variant.
Coding change: c.730T>C on transcript NM_019594.4 (MANE Select); coding-DNA position 730, T replaced by C.
Protein change: p.Phe244Leu; replaces phenylalanine 244 with leucine.
Molecular consequence: missense variant.
Genome position (GRCh38, 1-based): chr9:128,907,894, T>C. VCF-style: chr9-128907894-T-C. GRCh37 (hg19) VCF-style: chr9-131670173-T-C.
Other names: c.730T>C, p.Phe244Leu (NM_001127244.2, NM_001127245.2); short protein forms F244L.
Identifiers: ClinVar variation 4857192 (VCV004857192.1).

ClinVar aggregate classification (germline): Uncertain significance (1 of 4 stars; one submission).

Conditions:
LRRC8A-related disorder. Also called: LRRC8A-related condition.

Submission:

Undiagnosed Diseases Network, NIH
Classification: Uncertain significance for LRRC8A-related condition. Last evaluated: 2026-05-14. Review status: criteria provided, single submitter. Criteria: ACMG Guidelines, 2015. Collection method: clinical testing. Allele origin: de novo. Affected: yes. Observed: 1 variant allele, 1 heterozygote. Study: Undiagnosed Diseases Network (NIH), UDN.
Comment: This variant is absent from population databases, including gnomAD v2.1.1, gnomAD v4.1.0, and All of Us V8. The affected residue, Phe244, is highly evolutionarily conserved, with a PhyloP100 score of 8.01, indicating strong selective constraint across species. Computational prediction strongly supports a deleterious effect, with an AlphaMissense score of 1.0, exceeding the likely pathogenic threshold of 0.564. Structurally, p.Phe244Leu resides within the Pannexin-like transmembrane region of LRRC8A (Pfam PF12534), specifically within transmembrane helix 4, a region directly involved in channel architecture and gating. The substitution replaces a bulky aromatic phenylalanine with a smaller aliphatic leucine, which is predicted to create a local hydrophobic packing cavity and reduce van der Waals density within the helical bundle. FoldX predicts a modest destabilizing effect (ΔΔG = +0.91 kcal/mol), below the threshold typically associated with major global protein destabilization. At the gene level, LRRC8A shows limited constraint against LoF variantion (pLI = 0.02) but marked intolerance to missense variation, with a gnomAD v4.1.0 missense Z-score of 5.38 and an observed/expected missense ratio of 0.62. Consistent with this, the Phe244 region falls within a missense-intolerant segment by MetaDome 2.0, with a tolerance dn/ds score of 0.31.